The following is an entry in ClinVar:

NM_001122681.2(SH3BP2):c.638G>C (p.Arg213Thr)

Gene: SH3BP2 (SH3 domain binding protein 2; plus strand). Cytogenetic location: 4p16.3.
Variant type: single nucleotide variant.
Coding change: c.638G>C on transcript NM_001122681.2 (MANE Select); coding-DNA position 638, G replaced by C.
Protein change: p.Arg213Thr; replaces arginine 213 with threonine.
Molecular consequence: missense variant.
Genome position (GRCh38, 1-based): chr4:2,829,544, G>C. VCF-style: chr4-2829544-G-C. GRCh37 (hg19) VCF-style: chr4-2831271-G-C.
Other names: p.Arg213Thr; c.722G>C, p.Arg241Thr (NM_001145855.2); c.809G>C, p.Arg270Thr (NM_001145856.2); c.638G>C, p.Arg213Thr (NM_003023.4); short protein forms R213T, R241T, R270T.
Identifiers: ClinVar variation 4540970 (VCV004540970.1).

ClinVar aggregate classification (germline): Uncertain significance (1 of 4 stars; one submission).

Submission:

Mayo Clinic Laboratories, Mayo Clinic
Classification: Uncertain significance. Last evaluated: 2025-05-14. Review status: criteria provided, single submitter. Criteria: ACMG Guidelines, 2015. Collection method: clinical testing. Allele origin: germline. Observed: 1 variant allele.
Comment: PM2_supporting